The following is an entry in ClinVar:

NM_005045.4(RELN):c.1296T>A (p.Asp432Glu)

Genes: RELN (reelin; minus strand), LOC126860131 (MED14-independent group 3 enhancer GRCh37_chr7:103301048-103302247; plus strand). Cytogenetic location: 7q22.1.
Variant type: single nucleotide variant.
Coding change: c.1296T>A on transcript NM_005045.4 (MANE Select); coding-DNA position 1296, T replaced by A.
Protein change: p.Asp432Glu; replaces aspartic acid 432 with glutamic acid.
Molecular consequence: missense variant.
Genome position (GRCh38, 1-based): chr7:103,661,521, A>T on the plus strand (T>A on the coding strand, the complement: RELN is on the minus strand). VCF-style: chr7-103661521-A-T. GRCh37 (hg19) VCF-style: chr7-103301968-A-T.
Other names: c.1296T>A, p.Asp432Glu (NM_173054.3); short protein forms D432E.
Identifiers: ClinVar variation 2095707 (VCV002095707.4), dbSNP rs1192778123, ClinGen allele CA368768314.

ClinVar aggregate classification (germline): Uncertain significance (1 of 4 stars; one submission).

Conditions:
Norman-Roberts syndrome (LIS2). Also called: Lissencephaly 2 (Norman-Roberts type). Identifiers: Orphanet 89844, MedGen C0796089, MONDO:0009760, OMIM 257320.
Familial temporal lobe epilepsy 7. Identifiers: Orphanet 101046, MedGen C4225327, MONDO:0014639, OMIM 616436.

Allele frequency attached by ClinVar (database versions not stated): TOPMed below 0.00001.

Submission:

Labcorp Genetics (formerly Invitae), Labcorp
Classification: Uncertain significance for Familial temporal lobe epilepsy 7; Norman-Roberts syndrome. Last evaluated: 2025-02-24. Review status: criteria provided, single submitter. Criteria: Invitae Variant Classification Sherloc (09022015). Collection method: clinical testing. Allele origin: germline.
Comment: This sequence change replaces aspartic acid, which is acidic and polar, with glutamic acid, which is acidic and polar, at codon 432 of the RELN protein (p.Asp432Glu). This variant is not present in population databases (gnomAD no frequency). This variant has not been reported in the literature in individuals affected with RELN-related conditions. ClinVar contains an entry for this variant (Variation ID: 2095707). Invitae Evidence Modeling of protein sequence and biophysical properties (such as structural, functional, and spatial information, amino acid conservation, physicochemical variation, residue mobility, and thermodynamic stability) indicates that this missense variant is not expected to disrupt RELN protein function with a negative predictive value of 80%. In summary, the available evidence is currently insufficient to determine the role of this variant in disease. Therefore, it has been classified as a Variant of Uncertain Significance.